The following is an entry in ClinVar:

NM_178857.6(RP1L1):c.4744C>T (p.Arg1582Trp)

Gene: RP1L1 (RP1 like 1). Cytogenetic location: 8p23.1.
Variant type: single nucleotide variant.
Coding change: c.4744C>T on transcript NM_178857.6 (MANE Select); coding-DNA position 4744, C replaced by T.
Protein change: p.Arg1582Trp; replaces arginine 1582 with tryptophan.
Molecular consequence: missense variant.
Genome position (GRCh38, 1-based): chr8:10,609,354, G>A on the plus strand (C>T on the coding strand, the complement: RP1L1 is on the minus strand). VCF-style: chr8-10609354-G-A. GRCh37 (hg19) VCF-style: chr8-10466864-G-A.
Other names: c.4744C>T (NM_178857.5); short protein forms R1582W.
Identifiers: ClinVar variation 810251 (VCV000810251.48), dbSNP rs185345872, ClinGen allele CA4623907.

ClinVar aggregate classification (germline): Conflicting classifications of pathogenicity. Review status: criteria provided, conflicting classifications (1 of 4 stars). 5 submissions from 5 submitters: Uncertain significance (4); Likely benign (1). Last evaluated 2026-07-31.

Conditions:
Inborn genetic diseases. Identifiers: MedGen C0950123, MeSH D030342.
RP1L1-related disorder. Also called: RP1L1-related condition.

Allele frequency attached by ClinVar (database versions not stated): gnomAD exomes 0.00006; ExAC 0.00010; ESP Exome Variant Server 0.00016; gnomAD 0.00019 and 0.00021; TOPMed 0.00037; 1000 Genomes Project 30x 0.00078; 1000 Genomes Project 0.00080.
gnomAD v4.1: 85 of 1,612,382 alleles (0.0053%); highest among the groups gnomAD compares: Middle Eastern, 0.083%; no homozygotes.

Submissions (5):

PreventionGenetics, part of Exact Sciences
Classification: Uncertain significance for RP1L1-related condition. Last evaluated: 2026-07-31. Review status: criteria provided, single submitter. Criteria: ACMG Guidelines, 2015. Collection method: clinical testing. Allele origin: germline.
Comment: The RP1L1 c.4744C>T variant is predicted to result in the amino acid substitution p.Arg1582Trp. To our knowledge, this variant has not been reported in the literature. This variant is reported in 0.014% of alleles in individuals of Latino descent in gnomAD. At this time, the clinical significance of this variant is uncertain due to the absence of conclusive functional and genetic evidence.

Blueprint Genetics
Classification: Likely benign. Last evaluated: 2024-08-29. Review status: criteria provided, single submitter. Criteria: ACMG Guidelines, 2015. Collection method: clinical testing. Allele origin: germline.

Ambry Genetics
Classification: Uncertain significance for Inborn genetic diseases. Last evaluated: 2024-08-28. Review status: criteria provided, single submitter. Criteria: Ambry Variant Classification Scheme 2023. Collection method: clinical testing. Allele origin: germline.

CeGaT Center for Human Genetics Tuebingen
Classification: Uncertain significance. Last evaluated: 2018-11-01. Review status: criteria provided, single submitter. Criteria: CeGaT Center For Human Genetics Tuebingen Variant Classification Criteria Version 2. Collection method: clinical testing. Allele origin: germline. Affected: yes. Observed: 1 variant allele.

Breakthrough Genomics
Classification: Uncertain significance. Review status: criteria provided, single submitter. Criteria: ACMG Guidelines, 2015. Collection method: not provided. Allele origin: germline. Inheritance: Autosomal recessive inheritance. Affected: yes.